The following is an entry in ClinVar:

ClinVar aggregate classification (germline): Conflicting classifications of pathogenicity. Review status: criteria provided, conflicting classifications (1 of 4 stars). 3 submissions from 3 submitters: Likely pathogenic (1); Uncertain significance (1). 1 of the submissions does not count toward it. Last evaluated 2024-04-19.

Conditions:
RYR1-related disorder. Also called: RYR1-related disorders; RYR1-related condition. Identifiers: MedGen CN239331.
Congenital multicore myopathy with external ophthalmoplegia (CMYO1B). Also called: Minicore myopathy with external ophthalmoplegia; MULTIMINICORE DISEASE WITH EXTERNAL OPHTHALMOPLEGIA; MULTICORE MYOPATHY; Congenital myopathy 1B, autosomal recessive; Minicore myopathy. Identifiers: Orphanet 598, Orphanet 98905, MedGen C1850674, MONDO:0009712, OMIM 255320, HP:0003789.

Submissions (3):

Laboratory Cellgenetics, GMDL Cellgenetics
Classification: Likely pathogenic for Congenital multicore myopathy with external ophthalmoplegia. Last evaluated: 2024-04-19. Review status: criteria provided, single submitter. Criteria: ACMG Guidelines, 2015. Collection method: clinical testing. Allele origin: maternal. Inheritance: Autosomal recessive inheritance. Affected: yes. Observed: 1 variant allele, 1 compound heterozygote.
Comment: PS4_Supporting, PM1, PM2, PM5, PP2, PP3

Labcorp Genetics (formerly Invitae), Labcorp
Classification: Uncertain significance for RYR1-related disorder. Last evaluated: 2022-06-13. Review status: criteria provided, single submitter. Criteria: Invitae Variant Classification Sherloc (09022015). Collection method: clinical testing. Allele origin: germline.
Comment: Algorithms developed to predict the effect of missense changes on protein structure and function are either unavailable or do not agree on the potential impact of this missense change (SIFT: "Deleterious"; PolyPhen-2: "Benign"; Align-GVGD: "Class C0"). This sequence change replaces valine, which is neutral and non-polar, with alanine, which is neutral and non-polar, at codon 2212 of the RYR1 protein (p.Val2212Ala). This variant is not present in population databases (gnomAD no frequency). This missense change has been observed in individual(s) with clinical features of malignant hyperthermia (PMID: 16917943; Invitae). ClinVar contains an entry for this variant (Variation ID: 133167). This variant disrupts the p.Val2212 amino acid residue in RYR1. Other variant(s) that disrupt this residue have been observed in individuals with RYR1-related conditions (PMID: 16835904; Invitae), which suggests that this may be a clinically significant amino acid residue. In summary, the available evidence is currently insufficient to determine the role of this variant in disease. Therefore, it has been classified as a Variant of Uncertain Significance.

RYR1 database
No classification provided. Review status: no classification provided. Collection method: not provided. Allele origin: unknown. Not counted in ClinVar's aggregate classification.

Literature cited by the submitters: PubMed 16917943 (cited by Labcorp Genetics (formerly Invitae), Labcorp); PubMed 16835904 (cited by Labcorp Genetics (formerly Invitae), Labcorp).

NM_000540.3(RYR1):c.6635T>C (p.Val2212Ala)

Gene: RYR1 (ryanodine receptor 1; plus strand). Cytogenetic location: 19q13.2.
Variant type: single nucleotide variant.
Coding change: c.6635T>C on transcript NM_000540.3 (MANE Select); coding-DNA position 6635, T replaced by C.
Protein change: p.Val2212Ala; replaces valine 2212 with alanine.
Molecular consequence: missense variant.
Genome position (GRCh38, 1-based): chr19:38,496,301, T>C. VCF-style: chr19-38496301-T-C. GRCh37 (hg19) VCF-style: chr19-38986941-T-C.
Other names: c.6635T>C, p.Val2212Ala (NM_001042723.2); short protein forms V2212A.
Identifiers: ClinVar variation 133167 (VCV000133167.9), dbSNP rs193922793, ClinGen allele CA024631.